The following is an entry in ClinVar:

ClinVar aggregate classification (germline): Likely benign (1 of 4 stars; one submission).

Submission:

CeGaT Center for Human Genetics Tuebingen
Classification: Likely benign. Last evaluated: 2024-08-01. Review status: criteria provided, single submitter. Criteria: CeGaT Center For Human Genetics Tuebingen Variant Classification Criteria Version 2. Collection method: clinical testing. Allele origin: germline. Affected: yes. Observed: 1 variant allele.
Comment: FCGBP: BS2

NM_003890.3(FCGBP):c.4028C>T (p.Ala1343Val)

Gene: FCGBP (Fc gamma binding protein; minus strand). Cytogenetic location: 19q13.2.
Variant type: single nucleotide variant.
Coding change: c.4028C>T on transcript NM_003890.3 (MANE Select); coding-DNA position 4028, C replaced by T.
Protein change: p.Ala1343Val; replaces alanine 1343 with valine.
Molecular consequence: missense variant.
Other names: short protein forms A1343V.
Identifiers: ClinVar variation 3341510 (VCV003341510.12).
Protein context (NP_003881.2, residues 1333-1353): GVDMKLPVVL[Ala1343Val]NGQIRASQHG